The following is an entry in ClinVar:

NM_017777.4(MKS1):c.232A>T (p.Ile78Phe)

Gene: MKS1 (MKS transition zone complex subunit 1; minus strand). Cytogenetic location: 17q22.
Variant type: single nucleotide variant.
Coding change: c.232A>T on transcript NM_017777.4 (MANE Select); coding-DNA position 232, A replaced by T.
Protein change: p.Ile78Phe; replaces isoleucine 78 with phenylalanine.
Molecular consequence: missense variant. On other transcripts: 5 prime UTR variant (1).
Genome position (GRCh38, 1-based): chr17:58,216,695, T>A on the plus strand (A>T on the coding strand, the complement: MKS1 is on the minus strand). VCF-style: chr17-58216695-T-A. GRCh37 (hg19) VCF-style: chr17-56294056-T-A.
Other names: c.-280A>T (NM_001321268.2); c.232A>T, p.Ile78Phe (NM_001321269.2, NM_001330397.2, NM_001411113.1); short protein forms I78F.
Identifiers: ClinVar variation 4989467 (VCV004989467.1).

ClinVar aggregate classification (germline): Uncertain significance (1 of 4 stars; one submission).

Conditions:
MKS1-related disorder. Also called: MKS1-related disorders; MKS1-related condition. Identifiers: MedGen CN239382.

gnomAD v4.1: 2 of 1,614,054 alleles (0.00012%); highest among the groups gnomAD compares: Admixed American, 0.0017%; no homozygotes.

Submission:

PreventionGenetics, part of Exact Sciences
Classification: Uncertain significance for MKS1-related condition. Last evaluated: 2026-03-20. Review status: criteria provided, single submitter. Criteria: ACMG Guidelines, 2015. Collection method: clinical testing. Allele origin: germline.
Comment: The MKS1 c.232A>T variant is predicted to result in the amino acid substitution p.Ile78Phe. To our knowledge, this variant has not been reported in the literature or in a large population database (gnomAD), indicating this variant is rare. At this time, the clinical significance of this variant is uncertain due to the absence of conclusive functional and genetic evidence.